The following is an entry in ClinVar:

NM_017534.6(MYH2):c.1417-2_1417-1delinsCC

Genes: MYHAS (myosin heavy chain gene cluster antisense RNA; plus strand), MYH2 (myosin heavy chain 2; minus strand). Cytogenetic location: 17p13.1.
Variant type: Indel.
Coding change: c.1417-2_1417-1delinsCC on transcript NM_017534.6 (MANE Select); the canonical splice acceptor site of the intron before coding-DNA position 1417, AG replaced by CC.
Molecular consequence: splice acceptor variant.
Genome position (GRCh38, 1-based): chr17:10,537,836-10,537,837, CT replaced by GG on the plus strand (AG replaced by CC on the coding strand, the reverse complement: MYH2 is on the minus strand). VCF-style: chr17-10537836-CT-GG. GRCh37 (hg19) VCF-style: chr17-10441153-CT-GG.
Other names: c.1417-2_1417-1delinsCC (NM_001100112.2).
Identifiers: ClinVar variation 845575 (VCV000845575.7), dbSNP rs2073501817, ClinGen allele CA916083533.

ClinVar aggregate classification (germline): Likely pathogenic (1 of 4 stars; one submission).

Conditions:
Myopathy, proximal, and ophthalmoplegia (CMYO6). Also called: MYOPATHY WITH CONGENITAL JOINT CONTRACTURES, OPHTHALMOPLEGIA, AND RIMMED VACUOLES; CONGENITAL MYOPATHY 6 WITH OPHTHALMOPLEGIA; INCLUSION BODY MYOPATHY 3, AUTOSOMAL DOMINANT. Identifiers: Orphanet 363677, Orphanet 79091, MedGen C1854106, MONDO:0011577, OMIM 605637.

Submission:

Labcorp Genetics (formerly Invitae), Labcorp
Classification: Likely pathogenic for Myopathy, proximal, and ophthalmoplegia. Last evaluated: 2026-01-25. Review status: criteria provided, single submitter. Criteria: Invitae Variant Classification Sherloc (09022015). Collection method: clinical testing. Allele origin: germline.
Comment: This sequence change affects a splice site in intron 14 of the MYH2 gene. It is expected to disrupt RNA splicing. Variants that disrupt the donor or acceptor splice site typically lead to a loss of protein function (PMID: 16199547), and loss-of-function variants in MYH2 are known to be pathogenic (PMID: 20418530, 23388406, 24193343). Information on the frequency of this variant in the gnomAD database is not available, as this variant may be reported differently in the database. This variant has not been reported in the literature in individuals affected with MYH2-related conditions. ClinVar contains an entry for this variant (Variation ID: 845575). In summary, the currently available evidence indicates that the variant is pathogenic, but additional data are needed to prove that conclusively. Therefore, this variant has been classified as Likely Pathogenic.

Literature cited by the submitters: PubMed 16199547; PubMed 20418530; PubMed 23388406; PubMed 24193343.